The following is an entry in ClinVar:

ClinVar aggregate classification (germline): Uncertain significance. Review status: criteria provided, multiple submitters, no conflicts (2 of 4 stars). 3 submissions from 3 submitters: Uncertain significance (2). 1 of the submissions does not count toward it. Last evaluated 2024-10-16.

Conditions:
UBA5-related disorder. Also called: UBA5-related disorders; UBA5-related condition.
Inborn genetic diseases. Identifiers: MedGen C0950123, MeSH D030342.

Allele frequency attached by ClinVar (database versions not stated): gnomAD exomes below 0.00001; ExAC 0.00001.
gnomAD v4.1: 1 of 1,613,374 alleles (0.000062%); highest among the groups gnomAD compares: East Asian, 0.0022%; no homozygotes.

Submissions (3):

Labcorp Genetics (formerly Invitae), Labcorp
Classification: Uncertain significance. Last evaluated: 2024-10-16. Review status: criteria provided, single submitter. Criteria: Invitae Variant Classification Sherloc (09022015). Collection method: clinical testing. Allele origin: germline.
Comment: This sequence change replaces methionine, which is neutral and non-polar, with valine, which is neutral and non-polar, at codon 288 of the UBA5 protein (p.Met288Val). This variant is present in population databases (rs749216109, gnomAD 0.0009%). This variant has not been reported in the literature in individuals affected with UBA5-related conditions. ClinVar contains an entry for this variant (Variation ID: 1347116). Invitae Evidence Modeling of protein sequence and biophysical properties (such as structural, functional, and spatial information, amino acid conservation, physicochemical variation, residue mobility, and thermodynamic stability) indicates that this missense variant is not expected to disrupt UBA5 protein function with a negative predictive value of 80%. In summary, the available evidence is currently insufficient to determine the role of this variant in disease. Therefore, it has been classified as a Variant of Uncertain Significance.

Ambry Genetics
Classification: Uncertain significance for Inborn genetic diseases. Last evaluated: 2023-02-28. Review status: criteria provided, single submitter. Criteria: Ambry Variant Classification Scheme 2023. Collection method: clinical testing. Allele origin: germline.

PreventionGenetics, part of Exact Sciences
Classification: Uncertain significance for UBA5-related condition. Last evaluated: 2024-01-04. Review status: no assertion criteria provided. Collection method: clinical testing. Allele origin: germline. Not counted in ClinVar's aggregate classification.
Comment: The UBA5 c.862A>G variant is predicted to result in the amino acid substitution p.Met288Val. To our knowledge, this variant has not been reported in the literature. This variant is reported in 0.00088% of alleles in individuals of European (Non-Finnish) descent in gnomAD. At this time, the clinical significance of this variant is uncertain due to the absence of conclusive functional and genetic evidence.

NM_024818.6(UBA5):c.862A>G (p.Met288Val)

Genes: NPHP3-ACAD11 (NPHP3-ACAD11 readthrough (NMD candidate); minus strand), UBA5 (ubiquitin like modifier activating enzyme 5; plus strand). Cytogenetic location: 3q22.1.
Variant type: single nucleotide variant.
Coding change: c.862A>G on transcript NM_024818.6 (MANE Select); coding-DNA position 862, A replaced by G.
Protein change: p.Met288Val; replaces methionine 288 with valine.
Molecular consequence: missense variant.
Genome position (GRCh38, 1-based): chr3:132,675,297, A>G. VCF-style: chr3-132675297-A-G. GRCh37 (hg19) VCF-style: chr3-132394141-A-G.
Other names: c.862A>G (NM_024818.3, NM_024818.4); c.694A>G, p.Met232Val (NM_001320210.2, NM_198329.4); c.592A>G, p.Met198Val (NM_001321238.2); c.526A>G, p.Met176Val (NM_001321239.1); short protein forms M198V, M176V, M232V, M288V.
Identifiers: ClinVar variation 1347116 (VCV001347116.10), dbSNP rs749216109, ClinGen allele CA2621473.